The following is an entry in ClinVar:

ClinVar aggregate classification (germline): Uncertain significance (1 of 4 stars; one submission).

Conditions:
Primary ciliary dyskinesia. Also called: Ciliary dyskinesia. Identifiers: Orphanet 244, MedGen C0008780, MONDO:0016575, HP:0012265.

Submission:

Labcorp Genetics (formerly Invitae), Labcorp
Classification: Uncertain significance for Primary ciliary dyskinesia. Last evaluated: 2025-11-23. Review status: criteria provided, single submitter. Criteria: Invitae Variant Classification Sherloc (09022015). Collection method: clinical testing. Allele origin: germline.
Comment: This variant, c.2939_2940insAGGGGAGGAAGGAGAAGGGGAAGGGGAGGAAGGAGAAGGGGA, results in the insertion of 14 amino acid(s) of the RPGR (ORF15) protein (p.Gly970_Glu983dup), but otherwise preserves the integrity of the reading frame. This variant is not present in population databases (gnomAD no frequency). This variant has not been reported in the literature in individuals affected with RPGR (ORF15)-related conditions. In summary, the available evidence is currently insufficient to determine the role of this variant in disease. Therefore, it has been classified as a Variant of Uncertain Significance.

NM_001034853.2(RPGR):c.2919AGGGGAGGAAGGAGAAGGGGA[3] (p.Glu983_Glu984insGlyGluGlyGluGlyGluGluGlyGluGlyGluGlyGluGlu)

Gene: RPGR (retinitis pigmentosa GTPase regulator; minus strand). Cytogenetic location: Xp11.4.
Variant type: Microsatellite.
Coding change: c.2919AGGGGAGGAAGGAGAAGGGGA[3] on transcript NM_001034853.2 (MANE Select); three copies in a row of the 21-base unit AGGGGAGGAAGGAGAAGGGGA starting at c.2919.
Protein change: p.Glu983_Glu984insGlyGluGlyGluGlyGluGluGlyGluGlyGluGlyGluGlu.
Molecular consequence: inframe insertion. On other transcripts: intron variant (8).
Genome position: GRCh38, VCF-style position (the base before the change): chrX:38,286,059. GRCh37 (hg19), VCF-style position (the base before the change): chrX:38,145,312.
Other names: c.1569+4899_1569+4900insGAGGAAGGAGAAGGGGAAGGGGAGGAAGGAGAAGGGGAAGGG (NM_001367249.1, NM_001367250.1); c.1902+1034_1902+1035insGAGGAAGGAGAAGGGGAAGGGGAGGAAGGAGAAGGGGAAGGG (NM_001367245.1); c.1386+4899_1386+4900insGAGGAAGGAGAAGGGGAAGGGGAGGAAGGAGAAGGGGAAGGG (NM_001367251.1); c.1719+1034_1719+1035insGAGGAAGGAGAAGGGGAAGGGGAGGAAGGAGAAGGGGAAGGG (NM_001367246.1); c.1572+4899_1572+4900insGAGGAAGGAGAAGGGGAAGGGGAGGAAGGAGAAGGGGAAGGG (NM_001367247.1); c.1905+1034_1905+1035insGAGGAAGGAGAAGGGGAAGGGGAGGAAGGAGAAGGGGAAGGG (NM_000328.3); c.1602+4899_1602+4900insGAGGAAGGAGAAGGGGAAGGGGAGGAAGGAGAAGGGGAAGGG (NM_001367248.1).
Identifiers: ClinVar variation 4753348 (VCV004753348.1).